The following is an entry in ClinVar:

ClinVar aggregate classification (germline): Uncertain significance (1 of 4 stars; one submission).

Conditions:
LAMB3-related disorder. Also called: LAMB3-related condition.

gnomAD v4.1: 10 of 1,612,986 alleles (0.00062%); highest among the groups gnomAD compares: Non-Finnish European, 0.00085%; no homozygotes.

Submission:

PreventionGenetics, part of Exact Sciences
Classification: Uncertain significance for LAMB3-related condition. Last evaluated: 2025-08-19. Review status: criteria provided, single submitter. Criteria: ACMG Guidelines, 2015. Collection method: clinical testing. Allele origin: germline.
Comment: The LAMB3 c.199T>C variant is predicted to result in the amino acid substitution p.Cys67Arg. To our knowledge, this variant has not been reported in the literature. This variant is reported in 0.0065% of alleles in individuals of European (Non-Finnish) descent in gnomAD. At this time, the clinical significance of this variant is uncertain due to the absence of conclusive functional and genetic evidence.

NM_000228.3(LAMB3):c.199T>C (p.Cys67Arg)

Gene: LAMB3 (laminin subunit beta 3; minus strand). Cytogenetic location: 1q32.2.
Variant type: single nucleotide variant.
Coding change: c.199T>C on transcript NM_000228.3 (MANE Select); coding-DNA position 199, T replaced by C.
Protein change: p.Cys67Arg; replaces cysteine 67 with arginine.
Molecular consequence: missense variant.
Genome position (GRCh38, 1-based): chr1:209,638,633, A>G on the plus strand (T>C on the coding strand, the complement: LAMB3 is on the minus strand). VCF-style: chr1-209638633-A-G. GRCh37 (hg19) VCF-style: chr1-209811978-A-G.
Other names: c.199T>C, p.Cys67Arg (NM_001017402.2, NM_001127641.1); short protein forms C67R.
Identifiers: ClinVar variation 4978873 (VCV004978873.1).